The following is an entry in ClinVar:

ClinVar aggregate classification (germline): Uncertain significance. Review status: criteria provided, multiple submitters, no conflicts (2 of 4 stars). 2 submissions from 2 submitters: Uncertain significance (2). Last evaluated 2026-03-09.

Conditions:
RAI1-related disorder. Also called: RAI1-related condition.

Submissions (2):

PreventionGenetics, part of Exact Sciences
Classification: Uncertain significance for RAI1-related condition. Last evaluated: 2026-03-09. Review status: criteria provided, single submitter. Criteria: ACMG Guidelines, 2015. Collection method: clinical testing. Allele origin: germline.
Comment: The RAI1 c.1957G>C variant is predicted to result in the amino acid substitution p.Val653Leu. To our knowledge, this variant has not been reported in the literature or in a large population database (gnomAD), indicating this variant is rare. At this time, the clinical significance of this variant is uncertain due to the absence of conclusive functional and genetic evidence.

Labcorp Genetics (formerly Invitae), Labcorp
Classification: Uncertain significance. Last evaluated: 2023-07-25. Review status: criteria provided, single submitter. Criteria: Invitae Variant Classification Sherloc (09022015). Collection method: clinical testing. Allele origin: germline.
Comment: This sequence change replaces valine, which is neutral and non-polar, with leucine, which is neutral and non-polar, at codon 653 of the RAI1 protein (p.Val653Leu). In summary, the available evidence is currently insufficient to determine the role of this variant in disease. Therefore, it has been classified as a Variant of Uncertain Significance. Advanced modeling of protein sequence and biophysical properties (such as structural, functional, and spatial information, amino acid conservation, physicochemical variation, residue mobility, and thermodynamic stability) performed at Invitae indicates that this missense variant is not expected to disrupt RAI1 protein function. This variant has not been reported in the literature in individuals affected with RAI1-related conditions. This variant is not present in population databases (gnomAD no frequency).

NM_030665.4(RAI1):c.1957G>C (p.Val653Leu)

Gene: RAI1 (retinoic acid induced 1; plus strand). Cytogenetic location: 17p11.2.
Variant type: single nucleotide variant.
Coding change: c.1957G>C on transcript NM_030665.4 (MANE Select); coding-DNA position 1957, G replaced by C.
Protein change: p.Val653Leu; replaces valine 653 with leucine.
Molecular consequence: missense variant.
Genome position (GRCh38, 1-based): chr17:17,794,905, G>C. VCF-style: chr17-17794905-G-C. GRCh37 (hg19) VCF-style: chr17-17698219-G-C.
Other names: c.1957G>C (NM_030665.3); short protein forms V653L.
Identifiers: ClinVar variation 2834925 (VCV002834925.4), dbSNP rs866937596, ClinGen allele CA288368038.